The following is an entry in ClinVar:

NM_000266.4(NDP):c.310_318del (p.Lys104_Leu106del)

Genes: NDP (norrin cystine knot growth factor NDP; minus strand), NDP-AS1 (NDP antisense RNA 1; plus strand). Cytogenetic location: Xp11.3.
Variant type: Deletion.
Coding change: c.310_318del on transcript NM_000266.4 (MANE Select); coding-DNA positions 310 to 318, 9 bases deleted (AAGGCACTG; older notation c.310_318delAAGGCACTG).
Protein change: p.Lys104_Leu106del.
Molecular consequence: inframe deletion. On other transcripts: non-coding transcript variant (1).
Genome position (GRCh38, 1-based): chrX:43,949,883-43,949,891, CAGTGCCTT deleted on the plus strand (AAGGCACTG on the coding strand, the reverse complement: NDP is on the minus strand); deleting any 9 consecutive bases within chrX:43,949,883-43,949,894 gives the same sequence; the c. name uses the placement nearest the transcript's 3' end. VCF-style (leftmost placement, unchanged base first): chrX-43949882-GCAGTGCCTT-G. GRCh37 (hg19) VCF-style: chrX-43809128-GCAGTGCCTT-G.
Identifiers: ClinVar variation 1189410 (VCV001189410.2), dbSNP rs2147204736, ClinGen allele CA2499226723.
Genomic context (GRCh38, chrX:43,949,882, plus strand): 5'-GACAGGAGAGGATGTACCGGTAGGTGGCAGTGAGTCGCATGCCCCCTGAGCATCGCAGCC[GCAGTGCCTT>G]CAGCTTGGAAGTCTGGGGCCGGCAGCAGTGACAGGAGGAACGGAAGGGTTGCTTGAGGAC-3'

ClinVar aggregate classification (germline): Likely pathogenic (1 of 4 stars; one submission).

Submission:

GeneDx
Classification: Likely pathogenic. Last evaluated: 2020-07-30. Review status: criteria provided, single submitter. Criteria: GeneDx Variant Classification Process June 2021. Collection method: clinical testing. Allele origin: germline. Affected: yes.
Comment: In-frame deletion of 3 amino acids in a non-repeat region predicted to critically alter the protein; Not observed in large population cohorts (Lek et al., 2016); In silico analysis supports a deleterious effect on protein structure/function; Has not been previously published as pathogenic or benign to our knowledge